The following is an entry in ClinVar:

ClinVar aggregate classification (germline): Uncertain significance (1 of 4 stars; one submission).

Submission:

Labcorp Genetics (formerly Invitae), Labcorp
Classification: Uncertain significance. Last evaluated: 2021-08-26. Review status: criteria provided, single submitter. Criteria: Invitae Variant Classification Sherloc (09022015). Collection method: clinical testing. Allele origin: germline.
Comment: This variant, c.2532_2534del, results in the deletion of 1 amino acid(s) of the SLC24A1 protein (p.Asp844del), but otherwise preserves the integrity of the reading frame. This variant is present in population databases (rs758872642, ExAC 0.1%). This variant has not been reported in the literature in individuals affected with SLC24A1-related conditions. In summary, the available evidence is currently insufficient to determine the role of this variant in disease. Therefore, it has been classified as a Variant of Uncertain Significance.

NM_004727.3(SLC24A1):c.2529TGA[1] (p.Asp844del)

Gene: SLC24A1 (solute carrier family 24 member 1; plus strand). Cytogenetic location: 15q22.31.
Variant type: Microsatellite.
Coding change: c.2529TGA[1] on transcript NM_004727.3 (MANE Select); one copy of the 3-base unit TGA starting at c.2529; the reference has two copies in a row; one copy, 3 bases deleted.
Protein change: p.Asp844del; deletes aspartic acid 844.
Molecular consequence: inframe deletion.
Genome position (GRCh38, 1-based): chr15:65,650,681-65,650,683, TGA deleted; deleting any 3 consecutive bases within chr15:65,650,677-65,650,683 gives the same sequence; the position shown is the placement nearest the transcript's 3' end. VCF-style (leftmost placement, unchanged base first): chr15-65650676-AATG-A. GRCh37 (hg19) VCF-style: chr15-65943014-AATG-A.
Other names: c.510TGA[1], p.Asp171del (NM_001254740.2); c.2529TGA[1], p.Asp844del (NM_001301031.1); c.2475TGA[1], p.Asp826del (NM_001301032.1, NM_001301033.2); short protein forms D171del, D826del, D844del.
Identifiers: ClinVar variation 1465407 (VCV001465407.5), dbSNP rs758872642, ClinGen allele CA7620139.